The following is an entry in ClinVar:

ClinVar aggregate classification (germline): Uncertain significance (1 of 4 stars; one submission).

gnomAD v4.1: 1 of 1,614,166 alleles (0.000062%); highest among the groups gnomAD compares: Non-Finnish European, 0.000085%; no homozygotes.

Submission:

Labcorp Genetics (formerly Invitae), Labcorp
Classification: Uncertain significance. Last evaluated: 2022-05-21. Review status: criteria provided, single submitter. Criteria: Invitae Variant Classification Sherloc (09022015). Collection method: clinical testing. Allele origin: germline.
Comment: This sequence change replaces serine, which is neutral and polar, with isoleucine, which is neutral and non-polar, at codon 547 of the ADAMTS17 protein (p.Ser547Ile). This variant is not present in population databases (gnomAD no frequency). This variant has not been reported in the literature in individuals affected with ADAMTS17-related conditions. Algorithms developed to predict the effect of missense changes on protein structure and function are either unavailable or do not agree on the potential impact of this missense change (SIFT: "Not Available"; PolyPhen-2: "Probably Damaging"; Align-GVGD: "Not Available"). In summary, the available evidence is currently insufficient to determine the role of this variant in disease. Therefore, it has been classified as a Variant of Uncertain Significance.

NM_139057.4(ADAMTS17):c.1640G>T (p.Ser547Ile)

Gene: ADAMTS17 (ADAM metallopeptidase with thrombospondin type 1 motif 17; minus strand). Cytogenetic location: 15q26.3.
Variant type: single nucleotide variant.
Coding change: c.1640G>T on transcript NM_139057.4 (MANE Select); coding-DNA position 1640, G replaced by T.
Protein change: p.Ser547Ile; replaces serine 547 with isoleucine.
Molecular consequence: missense variant.
Genome position (GRCh38, 1-based): chr15:100,132,088, C>A on the plus strand (G>T on the coding strand, the complement: ADAMTS17 is on the minus strand). VCF-style: chr15-100132088-C-A. GRCh37 (hg19) VCF-style: chr15-100672293-C-A.
Other names: short protein forms S547I.
Identifiers: ClinVar variation 2096345 (VCV002096345.4), dbSNP rs1171789744, ClinGen allele CA393933650.
Genomic context (GRCh38, chr15:100,132,088, plus strand): 5'-TGCCTGAAGCGGGCTCCCGTCCCACATGTTCGGCTGCACATGCTCCAGGCGCCCCACGGG[C>A]TCCAGTCTCCGTCCACATGCTCCGGGATGGGCGTCTTGCTCACGCACTCCCCCGCGCGGC-3'
Protein context (NP_620688.2, residues 537-557): PIPEHVDGDW[Ser547Ile]PWGAWSMCSR